The following is an entry in ClinVar:

ClinVar aggregate classification (germline): Uncertain significance (1 of 4 stars; one submission).

Submission:

GeneDx
Classification: Uncertain significance. Last evaluated: 2022-07-11. Review status: criteria provided, single submitter. Criteria: GeneDx Variant Classification Process June 2021. Collection method: clinical testing. Allele origin: germline. Affected: yes.
Comment: Not observed at significant frequency in large population cohorts (gnomAD); In silico analysis supports that this missense variant has a deleterious effect on protein structure/function; Has not been previously published as pathogenic or benign to our knowledge

NM_014975.3(MAST1):c.1353G>A (p.Met451Ile)

Gene: MAST1 (microtubule associated serine/threonine kinase 1; plus strand). Cytogenetic location: 19p13.13.
Variant type: single nucleotide variant.
Coding change: c.1353G>A on transcript NM_014975.3 (MANE Select); coding-DNA position 1353, G replaced by A.
Protein change: p.Met451Ile; replaces methionine 451 with isoleucine.
Molecular consequence: missense variant.
Genome position (GRCh38, 1-based): chr19:12,858,726, G>A. VCF-style: chr19-12858726-G-A. GRCh37 (hg19) VCF-style: chr19-12969540-G-A.
Other names: short protein forms M451I.
Identifiers: ClinVar variation 1878778 (VCV001878778.1), dbSNP rs2512531944, ClinGen allele CA404268750.